The following is an entry in ClinVar:

ClinVar aggregate classification (germline): Uncertain significance. Review status: criteria provided, multiple submitters, no conflicts (2 of 4 stars). 2 submissions from 2 submitters: Uncertain significance (2). Last evaluated 2022-02-20.

Conditions:
Early-onset Parkinson disease 20. Also called: PARKINSON DISEASE 20, AUTOSOMAL RECESSIVE EARLY-ONSET. Identifiers: Orphanet 391411, MedGen C3809824, MONDO:0014233, OMIM 615530.
Developmental and epileptic encephalopathy, 53. Also called: Epileptic encephalopathy, early infantile, 53. Identifiers: MedGen C4479313, MONDO:0033362, OMIM 617389.

Allele frequency attached by ClinVar (database versions not stated): gnomAD 0.00001; TOPMed 0.00001; ExAC 0.00003; gnomAD exomes 0.00005 and 0.00006.
gnomAD v4.1: 93 of 1,612,884 alleles (0.0058%); highest among the groups gnomAD compares: Non-Finnish European, 0.0066%; no homozygotes.

Submissions (2):

Labcorp Genetics (formerly Invitae), Labcorp
Classification: Uncertain significance for Developmental and epileptic encephalopathy, 53; Early-onset Parkinson disease 20. Last evaluated: 2022-02-20. Review status: criteria provided, single submitter. Criteria: Invitae Variant Classification Sherloc (09022015). Collection method: clinical testing. Allele origin: germline.
Comment: This sequence change replaces arginine, which is basic and polar, with glutamine, which is neutral and polar, at codon 573 of the SYNJ1 protein (p.Arg573Gln). This variant is present in population databases (rs750585610, gnomAD 0.01%). This variant has not been reported in the literature in individuals affected with SYNJ1-related conditions. ClinVar contains an entry for this variant (Variation ID: 1004293). Algorithms developed to predict the effect of missense changes on protein structure and function are either unavailable or do not agree on the potential impact of this missense change (SIFT: "Tolerated"; PolyPhen-2: "Probably Damaging"; Align-GVGD: "Class C0"). In summary, the available evidence is currently insufficient to determine the role of this variant in disease. Therefore, it has been classified as a Variant of Uncertain Significance.

Blueprint Genetics
Classification: Uncertain significance. Last evaluated: 2019-06-19. Review status: criteria provided, single submitter. Criteria: ACMG Guidelines, 2015. Collection method: clinical testing. Allele origin: germline.

NM_203446.3(SYNJ1):c.1601G>A (p.Arg534Gln)

Gene: SYNJ1 (synaptojanin 1; minus strand). Cytogenetic location: 21q22.11.
Variant type: single nucleotide variant.
Coding change: c.1601G>A on transcript NM_203446.3 (MANE Select); coding-DNA position 1601, G replaced by A.
Protein change: p.Arg534Gln; replaces arginine 534 with glutamine.
Molecular consequence: missense variant.
Genome position (GRCh38, 1-based): chr21:32,673,465, C>T on the plus strand (G>A on the coding strand, the complement: SYNJ1 is on the minus strand). VCF-style: chr21-32673465-C-T. GRCh37 (hg19) VCF-style: chr21-34045775-C-T.
Other names: c.1601G>A, p.Arg534Gln (NM_001160302.2); c.1586G>A, p.Arg529Gln (NM_001160306.2); c.1718G>A, p.Arg573Gln (NM_003895.4); short protein forms R529Q, R534Q, R573Q.
Identifiers: ClinVar variation 1004293 (VCV001004293.7), dbSNP rs750585610, ClinGen allele CA10003841.